The following is an entry in ClinVar:

ClinVar aggregate classification (germline): Pathogenic (1 of 4 stars; one submission).

Submission:

GeneDx
Classification: Pathogenic. Last evaluated: 2020-07-27. Review status: criteria provided, single submitter. Criteria: GeneDx Variant Classification Process June 2021. Collection method: clinical testing. Allele origin: germline. Affected: yes.
Comment: Frameshift variant predicted to result in protein truncation, as the last 456 amino acids are replaced with 56 different amino acids, and other loss-of-function variants have been reported downstream in the Human Gene Mutation Database (Stenson et al., 2014); Not observed in large population cohorts (Lek et al., 2016); Has not been previously published as pathogenic or benign to our knowledge

NM_001374828.1(ARID1B):c.5750del (p.Lys1917fs)

Gene: ARID1B (AT-rich interaction domain 1B; plus strand). Cytogenetic location: 6q25.3.
Variant type: Deletion.
Coding change: c.5750del on transcript NM_001374828.1 (MANE Select); coding-DNA position 5750, one base deleted (A; older notation c.5750delA).
Protein change: p.Lys1917fs; shifts the reading frame from lysine 1917.
Molecular consequence: frameshift variant.
Genome position (GRCh38, 1-based): chr6:157,206,522, A deleted; the last of 5 consecutive A bases (chr6:157,206,518-157,206,522); deleting any one gives the same sequence. VCF-style (leftmost placement, unchanged base first): chr6-157206517-CA-C. GRCh37 (hg19) VCF-style: chr6-157527651-CA-C.
Other names: c.5381delA (NM_020732.3); c.5381del (NM_020732.3); c.3251del, p.Lys1084fs (NM_001363725.2); c.5630del, p.Lys1877fs (NM_001371656.1, NM_001374820.1); c.5591del, p.Lys1864fs (NM_017519.3); short protein forms K1084fs, K1864fs, K1877fs, K1917fs.
Identifiers: ClinVar variation 817292 (VCV000817292.2), dbSNP rs1583513716, ClinGen allele CA915944788.